The following is an entry in ClinVar:

NM_054027.6(ANKH):c.1439A>T (p.Glu480Val)

Genes: ANKH (ANKH inorganic pyrophosphate transport regulator; minus strand), OTULIN (OTU deubiquitinase with linear linkage specificity; plus strand). Cytogenetic location: 5p15.2.
Variant type: single nucleotide variant.
Coding change: c.1439A>T on transcript NM_054027.6 (MANE Select); coding-DNA position 1439, A replaced by T.
Protein change: p.Glu480Val; replaces glutamic acid 480 with valine.
Molecular consequence: missense variant.
Genome position (GRCh38, 1-based): chr5:14,711,237, T>A on the plus strand (A>T on the coding strand, the complement: ANKH is on the minus strand). VCF-style: chr5-14711237-T-A. GRCh37 (hg19) VCF-style: chr5-14711346-T-A.
Other names: c.1439A>T (NM_054027.4); short protein forms E480V.
Identifiers: ClinVar variation 501584 (VCV000501584.16), dbSNP rs777112283, ClinGen allele CA3208779.

ClinVar aggregate classification (germline): Uncertain significance. Review status: criteria provided, multiple submitters, no conflicts (2 of 4 stars). 5 submissions from 5 submitters: Uncertain significance (5). Last evaluated 2025-12-01.

Conditions:
Inborn genetic diseases. Identifiers: MedGen C0950123, MeSH D030342.

Allele frequency attached by ClinVar (database versions not stated): ExAC 0.00001; gnomAD exomes 0.00001 and 0.00002; gnomAD 0.00004 and 0.00005; TOPMed 0.00004.
gnomAD v4.1: 39 of 1,613,974 alleles (0.0024%); highest among the groups gnomAD compares: East Asian, 0.065%; no homozygotes.

Submissions (5):

Labcorp Genetics (formerly Invitae), Labcorp
Classification: Uncertain significance. Last evaluated: 2025-12-01. Review status: criteria provided, single submitter. Criteria: Invitae Variant Classification Sherloc (09022015). Collection method: clinical testing. Allele origin: germline.
Comment: This sequence change replaces glutamic acid, which is acidic and polar, with valine, which is neutral and non-polar, at codon 480 of the ANKH protein (p.Glu480Val). This variant is present in population databases (rs777112283, gnomAD 0.006%). This variant has not been reported in the literature in individuals affected with ANKH-related conditions. ClinVar contains an entry for this variant (Variation ID: 501584). An algorithm developed to predict the effect of missense changes on protein structure and function (PolyPhen-2) suggests that this variant is likely to be tolerated. In summary, the available evidence is currently insufficient to determine the role of this variant in disease. Therefore, it has been classified as a Variant of Uncertain Significance.

Ambry Genetics
Classification: Uncertain significance for Inborn genetic diseases. Last evaluated: 2025-04-13. Review status: criteria provided, single submitter. Criteria: Ambry Variant Classification Scheme 2023. Collection method: clinical testing. Allele origin: germline.

GeneDx
Classification: Uncertain significance. Last evaluated: 2024-10-23. Review status: criteria provided, single submitter. Criteria: GeneDx Variant Classification Process June 2021. Collection method: clinical testing. Allele origin: germline. Affected: yes.
Comment: In silico analysis indicates that this missense variant does not alter protein structure/function; Has not been previously published as pathogenic or benign to our knowledge

Women's Health and Genetics/Laboratory Corporation of America, LabCorp
Classification: Uncertain significance. Last evaluated: 2024-02-20. Review status: criteria provided, single submitter. Criteria: LabCorp Variant Classification Summary - May 2015. Collection method: clinical testing. Allele origin: germline.
Comment: Variant summary: ANKH c.1439A>T (p.Glu480Val) results in a non-conservative amino acid change in the encoded protein sequence. Four of five in-silico tools predict a damaging effect of the variant on protein function. The variant allele was found at a frequency of 1.2e-05 in 251484 control chromosomes (gnomAD). The available data on variant occurrences in the general population are insufficient to allow any conclusion about variant significance. To our knowledge, no occurrence of c.1439A>T in individuals affected with ANKH-Related Disorders and no experimental evidence demonstrating its impact on protein function have been reported. ClinVar contains an entry for this variant (Variation ID: 501584). Based on the evidence outlined above, the variant was classified as uncertain significance.

Eurofins Ntd Llc (ga)
Classification: Uncertain significance. Last evaluated: 2017-04-27. Review status: criteria provided, single submitter. Criteria: EGL Classification Definitions 2015. Collection method: clinical testing. Allele origin: germline. Observed: 1 variant allele, 1 heterozygote.